The following is an entry in ClinVar:

ClinVar aggregate classification (germline): Pathogenic (1 of 4 stars; one submission).

Submission:

Labcorp Genetics (formerly Invitae), Labcorp
Classification: Pathogenic. Last evaluated: 2023-10-23. Review status: criteria provided, single submitter. Criteria: Invitae Variant Classification Sherloc (09022015). Collection method: clinical testing. Allele origin: germline.
Comment: This sequence change creates a premature translational stop signal (p.Pro290Glufs*121) in the SLC39A4 gene. It is expected to result in an absent or disrupted protein product. Loss-of-function variants in SLC39A4 are known to be pathogenic (PMID: 12955721). This variant is not present in population databases (gnomAD no frequency). This variant has not been reported in the literature in individuals affected with SLC39A4-related conditions. ClinVar contains an entry for this variant (Variation ID: 1989349). For these reasons, this variant has been classified as Pathogenic.

Literature cited by the submitters: PubMed 12955721.

NM_130849.4(SLC39A4):c.867_886del (p.Pro290fs)

Gene: SLC39A4 (solute carrier family 39 member 4; minus strand). Cytogenetic location: 8q24.3.
Variant type: Deletion.
Coding change: c.867_886del on transcript NM_130849.4 (MANE Select); coding-DNA positions 867 to 886, 20 bases deleted (CCCGGAGGCCTGGGCCCAAC).
Protein change: p.Pro290fs; shifts the reading frame from proline 290.
Molecular consequence: frameshift variant.
Genome position (GRCh38, 1-based): chr8:144,414,815-144,414,834, GTTGGGCCCAGGCCTCCGGG deleted on the plus strand (CCCGGAGGCCTGGGCCCAAC on the coding strand, the reverse complement: SLC39A4 is on the minus strand); deleting any 20 consecutive bases within chr8:144,414,815-144,414,836 gives the same sequence; the c. name uses the placement nearest the transcript's 3' end. VCF-style (leftmost placement, unchanged base first): chr8-144414814-AGTTGGGCCCAGGCCTCCGGG-A. GRCh37 (hg19) VCF-style: chr8-145640198-AGTTGGGCCCAGGCCTCCGGG-A.
Other names: c.585_604del, p.Pro196fs (NM_001374839.1); c.792_811del, p.Pro265fs (NM_017767.3); short protein forms P196fs, P290fs, P265fs.
Identifiers: ClinVar variation 1989349 (VCV001989349.4), dbSNP rs1822095840, ClinGen allele CA1826307389.